The following is an entry in ClinVar:

ClinVar aggregate classification (germline): Uncertain significance. Review status: criteria provided, single submitter (1 of 4 stars). 2 submissions from 2 submitters: Uncertain significance (1). 1 of the submissions does not count toward it. Last evaluated 2024-11-29.

Conditions:
COL7A1-related disorder. Also called: COL7A1-related condition; COL7A1- related disorders.

Allele frequency attached by ClinVar (database versions not stated): gnomAD 0.00001; TOPMed 0.00002.
gnomAD v4.1: 16 of 1,613,218 alleles (0.00099%); highest among the groups gnomAD compares: Middle Eastern, 0.049%; no homozygotes.

Submissions (2):

Labcorp Genetics (formerly Invitae), Labcorp
Classification: Uncertain significance. Last evaluated: 2024-11-29. Review status: criteria provided, single submitter. Criteria: Invitae Variant Classification Sherloc (09022015). Collection method: clinical testing. Allele origin: germline.
Comment: This sequence change falls in intron 117 of the COL7A1 gene. It does not directly change the encoded amino acid sequence of the COL7A1 protein. It affects a nucleotide within the consensus splice site. This variant is present in population databases (no rsID available, gnomAD 0.002%). This variant has not been reported in the literature in individuals affected with COL7A1-related conditions. ClinVar contains an entry for this variant (Variation ID: 2157818). Variants that disrupt the consensus splice site are a relatively common cause of aberrant splicing (PMID: 17576681, 9536098). Algorithms developed to predict the effect of sequence changes on RNA splicing suggest that this variant is not likely to affect RNA splicing. In summary, the available evidence is currently insufficient to determine the role of this variant in disease. Therefore, it has been classified as a Variant of Uncertain Significance.

PreventionGenetics, part of Exact Sciences
Classification: Likely benign for COL7A1-related condition. Last evaluated: 2020-07-14. Review status: no assertion criteria provided. Collection method: clinical testing. Allele origin: germline. Not counted in ClinVar's aggregate classification.
Comment: This variant is classified as likely benign based on ACMG/AMP sequence variant interpretation guidelines (Richards et al. 2015 PMID: 25741868, with internal and published modifications).

Literature cited by the submitters: PubMed 17576681 (cited by Labcorp Genetics (formerly Invitae), Labcorp); PubMed 9536098 (cited by Labcorp Genetics (formerly Invitae), Labcorp).

NM_000094.4(COL7A1):c.8818+4T>G

Gene: COL7A1 (collagen type VII alpha 1 chain; minus strand). Cytogenetic location: 3p21.31.
Variant type: single nucleotide variant.
Coding change: c.8818+4T>G on transcript NM_000094.4 (MANE Select); 4 bases into the intron after coding-DNA position 8818, T replaced by G.
Molecular consequence: intron variant.
Genome position (GRCh38, 1-based): chr3:48,564,779, A>C on the plus strand (T>G on the coding strand, the complement: COL7A1 is on the minus strand). VCF-style: chr3-48564779-A-C. GRCh37 (hg19) VCF-style: chr3-48602212-A-C.
Other names: c.8818+4T>G (NM_000094.3).
Identifiers: ClinVar variation 2157818 (VCV002157818.4), dbSNP rs866959368, ClinGen allele CA73969827.
Genomic context (GRCh38, chr3:48,564,779, plus strand): 5'-CCCCCAGAACCCGATCCAGGCAGGCTCAGTGCCCAGTTCCCCACGGTGGGGGCTCAGCCC[A>C]TACCTGTCCCCTGGCTCTGGACCACCCGGGGTGGGCAGCGGCGCTCGCAGGCCTCACGGG-3'